The following is an entry in ClinVar:

NM_207352.4(CYP4V2):c.1402A>G (p.Ile468Val)

Gene: CYP4V2 (cytochrome P450 family 4 subfamily V member 2; plus strand). Cytogenetic location: 4q35.2.
Variant type: single nucleotide variant.
Coding change: c.1402A>G on transcript NM_207352.4 (MANE Select); coding-DNA position 1402, A replaced by G.
Protein change: p.Ile468Val; replaces isoleucine 468 with valine.
Molecular consequence: missense variant.
Genome position (GRCh38, 1-based): chr4:186,209,269, A>G. VCF-style: chr4-186209269-A-G. GRCh37 (hg19) VCF-style: chr4-187130423-A-G.
Other names: short protein forms I468V.
Identifiers: ClinVar variation 1026716 (VCV001026716.7), dbSNP rs934552351, ClinGen allele CA112135313.

ClinVar aggregate classification (germline): Uncertain significance (1 of 4 stars; one submission).

Allele frequency attached by ClinVar (database versions not stated): gnomAD exomes below 0.00001; TOPMed below 0.00001.
gnomAD v4.1: 6 of 1,613,488 alleles (0.00037%); highest among the groups gnomAD compares: Admixed American, 0.0033%; no homozygotes.

Submission:

Labcorp Genetics (formerly Invitae), Labcorp
Classification: Uncertain significance. Last evaluated: 2020-09-21. Review status: criteria provided, single submitter. Criteria: Invitae Variant Classification Sherloc (09022015). Collection method: clinical testing. Allele origin: germline.
Comment: In summary, the available evidence is currently insufficient to determine the role of this variant in disease. Therefore, it has been classified as a Variant of Uncertain Significance. Algorithms developed to predict the effect of sequence changes on RNA splicing suggest that this variant may create or strengthen a splice site, but this prediction has not been confirmed by published transcriptional studies. Algorithms developed to predict the effect of missense changes on protein structure and function are either unavailable or do not agree on the potential impact of this missense change (SIFT: "Deleterious"; PolyPhen-2: "Probably Damaging"; Align-GVGD: "Class C0"). This variant has not been reported in the literature in individuals with CYP4V2-related conditions. This variant is not present in population databases (ExAC no frequency). This sequence change replaces isoleucine with valine at codon 468 of the CYP4V2 protein (p.Ile468Val). The isoleucine residue is highly conserved and there is a small physicochemical difference between isoleucine and valine.